The following is an entry in ClinVar:

NM_001009944.3(PKD1):c.5230G>T (p.Gly1744Cys)

Gene: PKD1 (polycystin 1, transient receptor potential channel interacting; minus strand). Cytogenetic location: 16p13.3.
Variant type: single nucleotide variant.
Coding change: c.5230G>T on transcript NM_001009944.3 (MANE Select); coding-DNA position 5230, G replaced by T.
Protein change: p.Gly1744Cys; replaces glycine 1744 with cysteine.
Molecular consequence: missense variant.
Genome position (GRCh38, 1-based): chr16:2,109,937, C>A on the plus strand (G>T on the coding strand, the complement: PKD1 is on the minus strand). VCF-style: chr16-2109937-C-A. GRCh37 (hg19) VCF-style: chr16-2159938-C-A.
Other names: c.5230G>T, p.Gly1744Cys (NM_000296.4); short protein forms G1744C.
Identifiers: ClinVar variation 2574850 (VCV002574850.1), dbSNP rs2544813806, ClinGen allele CA394377835.

ClinVar aggregate classification (germline): Uncertain significance (1 of 4 stars; one submission).

Submission:

GeneDx
Classification: Uncertain significance. Last evaluated: 2023-02-02. Review status: criteria provided, single submitter. Criteria: GeneDx Variant Classification Process June 2021. Collection method: clinical testing. Allele origin: germline. Affected: yes.
Comment: Not observed at significant frequency in large population cohorts (gnomAD); In silico analysis supports that this missense variant does not alter protein structure/function; Has not been previously published as pathogenic or benign to our knowledge